The following is an entry in ClinVar:

NM_000126.4(ETFA):c.431T>C (p.Phe144Ser)

Gene: ETFA (electron transfer flavoprotein subunit alpha; minus strand). Cytogenetic location: 15q24.2.
Variant type: single nucleotide variant.
Coding change: c.431T>C on transcript NM_000126.4 (MANE Select); coding-DNA position 431, T replaced by C.
Protein change: p.Phe144Ser; replaces phenylalanine 144 with serine.
Molecular consequence: missense variant.
Genome position (GRCh38, 1-based): chr15:76,287,866, A>G on the plus strand (T>C on the coding strand, the complement: ETFA is on the minus strand). VCF-style: chr15-76287866-A-G. GRCh37 (hg19) VCF-style: chr15-76580207-A-G.
Other names: c.284T>C, p.Phe95Ser (NM_001127716.2); short protein forms F95S, F144S.
Identifiers: ClinVar variation 1037675 (VCV001037675.13), dbSNP rs755055339, ClinGen allele CA7673765.
Genomic context (GRCh38, chr15:76,287,866, plus strand): 5'-AATTTAACATGTTGATTAATTATCTTCCTTGAGTACTCACCTGCATAAATAGTTCTCACA[A>G]ATGTGTCAGGTGACTTGATTGCAATGATGTCAGAAATCGGGGCAACCTCAAGTTTGGCTG-3'
Protein context (NP_000117.1, residues 134-154): DIIAIKSPDT[Phe144Ser]VRTIYAGNAL

ClinVar aggregate classification (germline): Uncertain significance. Review status: criteria provided, multiple submitters, no conflicts (2 of 4 stars). 4 submissions from 4 submitters: Uncertain significance (3). 1 of the submissions does not count toward it. Last evaluated 2024-03-07.

Conditions:
Glutaric acidemia type 2A.
Multiple acyl-CoA dehydrogenase deficiency (MADD). Also called: Glutaric Acidemia type 2; ETHYLMALONIC-ADIPICACIDURIA; GA II; Glutaric aciduria, type 2; Glutaric acidemia type II; GA 2. Identifiers: Orphanet 26791, MedGen C0268596, MONDO:0009282, OMIM 231680.

Allele frequency attached by ClinVar (database versions not stated): gnomAD exomes below 0.00001; ExAC 0.00001.
gnomAD v4.1: 2 of 1,612,744 alleles (0.00012%); highest among the groups gnomAD compares: Non-Finnish European, 0.00017%; no homozygotes.

Submissions (4):

Women's Health and Genetics/Laboratory Corporation of America, LabCorp
Classification: Uncertain significance. Last evaluated: 2024-03-07. Review status: criteria provided, single submitter. Criteria: LabCorp Variant Classification Summary - May 2015. Collection method: clinical testing. Allele origin: germline.
Comment: Variant summary: ETFA c.431T>C (p.Phe144Ser) results in a non-conservative amino acid change located in the Electron transfer flavoprotein, alpha/beta-subunit, N-terminal domain (IPR014730) of the encoded protein sequence. Five of five in-silico tools predict a damaging effect of the variant on protein function. The variant allele was found at a frequency of 4e-06 in 251436 control chromosomes (gnomAD). The available data on variant occurrences in the general population are insufficient to allow any conclusion about variant significance. c.431T>C has been reported in the literature in an individual affected with Glutaric Aciduria, Type 2a who was reported as compound heterozygous with a pathogenic variant (Schiff_2006). These data do not allow any conclusion about variant significance. To our knowledge, no experimental evidence demonstrating an impact on protein function has been reported. The following publication has been ascertained in the context of this evaluation (PMID: 16510302). ClinVar contains an entry for this variant (Variation ID: 1037675). Based on the evidence outlined above, the variant was classified as uncertain significance.

Labcorp Genetics (formerly Invitae), Labcorp
Classification: Uncertain significance for Multiple acyl-CoA dehydrogenase deficiency. Last evaluated: 2022-06-11. Review status: criteria provided, single submitter. Criteria: Invitae Variant Classification Sherloc (09022015). Collection method: clinical testing. Allele origin: germline.
Comment: This sequence change replaces phenylalanine, which is neutral and non-polar, with serine, which is neutral and polar, at codon 144 of the ETFA protein (p.Phe144Ser). This variant is present in population databases (rs755055339, gnomAD 0.0009%). This missense change has been observed in individual(s) with multiple acyl-CoA dehydrogenase deficiency (PMID: 16510302). ClinVar contains an entry for this variant (Variation ID: 1037675). Algorithms developed to predict the effect of missense changes on protein structure and function (SIFT, PolyPhen-2, Align-GVGD) all suggest that this variant is likely to be disruptive. In summary, the available evidence is currently insufficient to determine the role of this variant in disease. Therefore, it has been classified as a Variant of Uncertain Significance.

GeneDx
Classification: Uncertain significance. Last evaluated: 2019-12-20. Review status: criteria provided, single submitter. Criteria: GeneDx Variant Classification Process June 2021. Collection method: clinical testing. Allele origin: germline. Affected: yes.
Comment: Not observed at a significant frequency in large population cohorts (Lek et al., 2016); In silico analysis, which includes protein predictors and evolutionary conservation, supports a deleterious effect; This variant is associated with the following publications: (PMID: 16510302, 20674745, 20151199)

Natera, Inc.
Classification: Uncertain significance for Glutaric acidemia type 2A. Last evaluated: 2020-09-25. Review status: no assertion criteria provided. Collection method: clinical testing. Allele origin: germline. Not counted in ClinVar's aggregate classification.

Literature cited by the submitters: PubMed 16510302 (cited by Women's Health and Genetics/Laboratory Corporation of America, LabCorp and Labcorp Genetics (formerly Invitae), Labcorp).